The following is an entry in ClinVar:

NM_020937.4(FANCM):c.5257C>T (p.His1753Tyr)

Gene: FANCM (FA complementation group M; plus strand). Cytogenetic location: 14q21.2.
Variant type: single nucleotide variant.
Coding change: c.5257C>T on transcript NM_020937.4 (MANE Select); coding-DNA position 5257, C replaced by T.
Protein change: p.His1753Tyr; replaces histidine 1753 with tyrosine.
Molecular consequence: missense variant.
Genome position (GRCh38, 1-based): chr14:45,189,279, C>T. VCF-style: chr14-45189279-C-T. GRCh37 (hg19) VCF-style: chr14-45658482-C-T.
Other names: c.5179C>T, p.His1727Tyr (NM_001308133.2); short protein forms H1727Y, H1753Y.
Identifiers: ClinVar variation 4022663 (VCV004022663.1).

ClinVar aggregate classification (germline): Uncertain significance (1 of 4 stars; one submission).

Conditions:
Inborn genetic diseases. Identifiers: MedGen C0950123, MeSH D030342.

Submission:

Ambry Genetics
Classification: Uncertain significance for Inborn genetic diseases. Last evaluated: 2025-04-06. Review status: criteria provided, single submitter. Criteria: Ambry Variant Classification Scheme 2023. Collection method: clinical testing. Allele origin: germline.
Comment: The p.H1753Y variant (also known as c.5257C>T), located in coding exon 20 of the FANCM gene, results from a C to T substitution at nucleotide position 5257. The histidine at codon 1753 is replaced by tyrosine, an amino acid with similar properties. This amino acid position is conserved. In addition, this alteration is predicted to be tolerated by in silico analysis. Based on the available evidence, the clinical significance of this variant remains unclear.